The following is an entry in ClinVar:

NM_000038.6(APC):c.4807C>A (p.Pro1603Thr)

Gene: APC (APC regulator of Wnt signaling pathway; plus strand). Cytogenetic location: 5q22.2.
Variant type: single nucleotide variant.
Coding change: c.4807C>A on transcript NM_000038.6 (MANE Select); coding-DNA position 4807, C replaced by A.
Protein change: p.Pro1603Thr; replaces proline 1603 with threonine.
Molecular consequence: missense variant.
Genome position (GRCh38, 1-based): chr5:112,840,401, C>A. VCF-style: chr5-112840401-C-A. GRCh37 (hg19) VCF-style: chr5-112176098-C-A.
Other names: c.4807C>A (NM_000038.5); c.4807C>A, p.Pro1603Thr (NM_001127510.3, NM_001354895.2); c.4753C>A, p.Pro1585Thr (NM_001127511.3); c.4861C>A, p.Pro1621Thr (NM_001354896.2); c.4837C>A, p.Pro1613Thr (NM_001354897.2); c.4732C>A, p.Pro1578Thr (NM_001354898.2); c.4723C>A, p.Pro1575Thr (NM_001354899.2); c.4684C>A, p.Pro1562Thr (NM_001354900.2); and 6 more; short protein forms P1443T, P1544T, P1562T, P1575T, P1502T, P1477T, P1603T, P1613T.
Identifiers: ClinVar variation 1500964 (VCV001500964.9), dbSNP rs1765770918, ClinGen allele CA16031865.

ClinVar aggregate classification (germline): Uncertain significance. Review status: criteria provided, multiple submitters, no conflicts (2 of 4 stars). 3 submissions from 3 submitters: Uncertain significance (3). Last evaluated 2026-08-03.

Conditions:
Familial adenomatous polyposis 1 (FAP1). Also called: POLYPOSIS, ADENOMATOUS INTESTINAL; FAMILIAL ADENOMATOUS POLYPOSIS 1, ATTENUATED. Identifiers: MedGen C2713442, MONDO:0021056, OMIM 175100. Disease mechanism: loss of function.
Hereditary cancer-predisposing syndrome. Also called: Hereditary Cancer Syndrome; Tumor predisposition; Neoplastic Syndromes, Hereditary; Hereditary neoplastic syndrome. Identifiers: Orphanet 140162, MedGen C0027672, MeSH D009386, MONDO:0015356.

Submissions (3):

Ambry Genetics
Classification: Uncertain significance for Hereditary cancer-predisposing syndrome. Last evaluated: 2026-08-03. Review status: criteria provided, single submitter. Criteria: Ambry Variant Classification Scheme 2023. Collection method: clinical testing. Allele origin: germline.
Comment: The p.P1603T variant (also known as c.4807C>A), located in coding exon 15 of the APC gene, results from a C to A substitution at nucleotide position 4807. The proline at codon 1603 is replaced by threonine, an amino acid with highly similar properties. This amino acid position is conserved. In addition, in silico predictors for this gene do not accurately predict pathogenicity. Based on the available evidence, the clinical significance of this variant remains unclear.

Color Diagnostics, LLC DBA Color Health
Classification: Uncertain significance for Hereditary cancer-predisposing syndrome. Last evaluated: 2024-03-07. Review status: criteria provided, single submitter. Criteria: ACMG Guidelines, 2015. Collection method: clinical testing. Allele origin: germline.
Comment: This missense variant replaces proline with threonine at codon 1603 of the APC protein. Computational prediction suggests that this variant may not impact protein structure and function (internally defined REVEL score threshold <= 0.5, PMID: 27666373). To our knowledge, functional studies have not been reported for this variant. This variant has not been reported in individuals affected with hereditary cancer in the literature. This variant has not been identified in the general population by the Genome Aggregation Database (gnomAD). The available evidence is insufficient to determine the role of this variant in disease conclusively. Therefore, this variant is classified as a Variant of Uncertain Significance.

Labcorp Genetics (formerly Invitae), Labcorp
Classification: Uncertain significance for Familial adenomatous polyposis 1. Last evaluated: 2021-11-09. Review status: criteria provided, single submitter. Criteria: Invitae Variant Classification Sherloc (09022015). Collection method: clinical testing. Allele origin: germline.
Comment: This sequence change replaces proline, which is neutral and non-polar, with threonine, which is neutral and polar, at codon 1603 of the APC protein (p.Pro1603Thr). This variant is not present in population databases (gnomAD no frequency). This variant has not been reported in the literature in individuals affected with APC-related conditions. Algorithms developed to predict the effect of missense changes on protein structure and function are either unavailable or do not agree on the potential impact of this missense change (SIFT: "Tolerated"; PolyPhen-2: "Probably Damaging"; Align-GVGD: "Class C0"). In summary, the available evidence is currently insufficient to determine the role of this variant in disease. Therefore, it has been classified as a Variant of Uncertain Significance.